The following is an entry in ClinVar:

NM_032608.7(MYO18B):c.407C>T (p.Thr136Ile)

Gene: MYO18B (myosin XVIIIB; plus strand). Cytogenetic location: 22q12.1.
Variant type: single nucleotide variant.
Coding change: c.407C>T on transcript NM_032608.7 (MANE Select); coding-DNA position 407, C replaced by T.
Protein change: p.Thr136Ile; replaces threonine 136 with isoleucine.
Molecular consequence: missense variant.
Genome position (GRCh38, 1-based): chr22:25,768,323, C>T. VCF-style: chr22-25768323-C-T. GRCh37 (hg19) VCF-style: chr22-26164290-C-T.
Other names: c.407C>T (NM_032608.5); c.407C>T, p.Thr136Ile (NM_001318245.2); short protein forms T136I.
Identifiers: ClinVar variation 723144 (VCV000723144.12), dbSNP rs192379299, ClinGen allele CA10159572.

ClinVar aggregate classification (germline): Conflicting classifications of pathogenicity. Review status: criteria provided, conflicting classifications (1 of 4 stars). 3 submissions from 3 submitters: Uncertain significance (1); Likely benign (2). Last evaluated 2026-05-22.

Conditions:
MYO18B-related disorder. Also called: MYO18B-related condition.

Allele frequency attached by ClinVar (database versions not stated): gnomAD exomes 0.00010 and 0.00033; gnomAD 0.00014 and 0.00017; TOPMed 0.00020; ExAC 0.00038; 1000 Genomes Project 30x 0.00125; 1000 Genomes Project 0.00140.
gnomAD v4.1: 173 of 1,613,706 alleles (0.011%); highest among the groups gnomAD compares: East Asian, 0.36%; no homozygotes.

Submissions (3):

GeneDx
Classification: Uncertain significance. Last evaluated: 2026-05-22. Review status: criteria provided, single submitter. Criteria: GeneDx Variant Classification Process June 2021. Collection method: clinical testing. Allele origin: germline.
Comment: In silico analysis supports that this missense variant has a deleterious effect on protein structure/function; Has not been previously published as pathogenic or benign to our knowledge

Labcorp Genetics (formerly Invitae), Labcorp
Classification: Likely benign. Last evaluated: 2025-09-29. Review status: criteria provided, single submitter. Criteria: Invitae Variant Classification Sherloc (09022015). Collection method: clinical testing. Allele origin: germline.

PreventionGenetics, part of Exact Sciences
Classification: Likely benign for MYO18B-related condition. Last evaluated: 2025-01-27. Review status: criteria provided, single submitter. Criteria: ACMG Guidelines, 2015. Collection method: clinical testing. Allele origin: germline.
Comment: This variant is classified as likely benign based on ACMG/AMP sequence variant interpretation guidelines (Richards et al. 2015 PMID: 25741868, with internal and published modifications).